The following is an entry in ClinVar:

NM_001148.6(ANK2):c.10205A>C (p.Lys3402Thr)

Gene: ANK2 (ankyrin 2; plus strand). Cytogenetic location: 4q26.
Variant type: single nucleotide variant.
Coding change: c.10205A>C on transcript NM_001148.6 (MANE Select); coding-DNA position 10205, A replaced by C.
Protein change: p.Lys3402Thr; replaces lysine 3402 with threonine.
Molecular consequence: missense variant. On other transcripts: intron variant (68).
Genome position (GRCh38, 1-based): chr4:113,358,823, A>C. VCF-style: chr4-113358823-A-C. GRCh37 (hg19) VCF-style: chr4-114279979-A-C.
Other names: c.9971A>C, p.Lys3324Thr (NM_001386142.1); c.6605A>C, p.Lys2202Thr (NM_001386166.1); c.10346A>C, p.Lys3449Thr (NM_001386174.1); c.10322A>C, p.Lys3441Thr (NM_001386175.1); c.4412-2000A>C (NM_001386186.2, NM_001386148.2); c.4214-2000A>C (NM_001354269.3); c.4292-2000A>C (NM_001386187.2); c.4253-2000A>C (NM_001386147.1); and 35 more; short protein forms K3402T, K2202T, K3324T, K3441T, K3449T.
Identifiers: ClinVar variation 943956 (VCV000943956.6), dbSNP rs762372282, ClinGen allele CA3052038.
Genomic context (GRCh38, chr4:113,358,823, plus strand): 5'-TCGCACCAGATAATAGAAGCAAATCTGAATCTGATGCTAGTTCTTTGGATTCAAAGACCA[A>C]ATGCCCAGTAAAAACCCGAAGTTACACTGAGACAGAAACAGAGAGCAGAGAGAGGGCCGA-3'
Protein context (NP_001139.3, residues 3392-3412): SDASSLDSKT[Lys3402Thr]CPVKTRSYTE

ClinVar aggregate classification (germline): Uncertain significance (1 of 4 stars; one submission).

Conditions:
Long QT syndrome (LQTS). Identifiers: MedGen C0023976, MeSH D008133, MONDO:0002442. Disease mechanism: loss of function. Inheritance: Various modes of inheritance.

Allele frequency attached by ClinVar (database versions not stated): gnomAD exomes below 0.00001 and 0.00001; gnomAD 0.00001; ExAC 0.00002; TOPMed 0.00002.
gnomAD v4.1: 4 of 1,614,012 alleles (0.00025%); highest among the groups gnomAD compares: East Asian, 0.0067%; no homozygotes.

Submission:

Labcorp Genetics (formerly Invitae), Labcorp
Classification: Uncertain significance for Long QT syndrome. Last evaluated: 2024-02-03. Review status: criteria provided, single submitter. Criteria: Invitae Variant Classification Sherloc (09022015). Collection method: clinical testing. Allele origin: germline.
Comment: This sequence change replaces lysine, which is basic and polar, with threonine, which is neutral and polar, at codon 3402 of the ANK2 protein (p.Lys3402Thr). This variant is present in population databases (rs762372282, gnomAD 0.01%). This missense change has been observed in individual(s) with autism spectrum disorder (PMID: 30564305). ClinVar contains an entry for this variant (Variation ID: 943956). An algorithm developed to predict the effect of missense changes on protein structure and function (PolyPhen-2) suggests that this variant is likely to be tolerated. In summary, the available evidence is currently insufficient to determine the role of this variant in disease. Therefore, it has been classified as a Variant of Uncertain Significance.

Literature cited by the submitters: PubMed 30564305.